The following is an entry in ClinVar:

ClinVar aggregate classification (germline): Likely benign. Review status: criteria provided, single submitter (1 of 4 stars). 2 submissions from 2 submitters: Likely benign (1). 1 of the submissions does not count toward it. Last evaluated 2018-05-08.

Conditions:
MC4R-related disorder. Also called: MC4R-related condition.

Allele frequency attached by ClinVar (database versions not stated): gnomAD exomes below 0.00001 and 0.00001; ExAC 0.00002; TOPMed 0.00004.

Submissions (2):

Labcorp Genetics (formerly Invitae), Labcorp
Classification: Likely benign. Last evaluated: 2018-05-08. Review status: criteria provided, single submitter. Criteria: Invitae Variant Classification Sherloc (09022015). Collection method: clinical testing. Allele origin: germline.

PreventionGenetics, part of Exact Sciences
Classification: Likely benign for MC4R-related condition. Last evaluated: 2021-09-26. Review status: no assertion criteria provided. Collection method: clinical testing. Allele origin: germline. Not counted in ClinVar's aggregate classification.
Comment: This variant is classified as likely benign based on ACMG/AMP sequence variant interpretation guidelines (Richards et al. 2015 PMID: 25741868, with internal and published modifications).

NM_005912.3(MC4R):c.474T>C (p.His158=)

Gene: MC4R (melanocortin 4 receptor; minus strand). Cytogenetic location: 18q21.32.
Variant type: single nucleotide variant.
Coding change: c.474T>C on transcript NM_005912.3 (MANE Select); coding-DNA position 474, T replaced by C.
Protein change: p.His158=; no amino-acid change (histidine 158 retained).
Molecular consequence: synonymous variant.
Genome position (GRCh38, 1-based): chr18:60,371,876, A>G on the plus strand (T>C on the coding strand, the complement: MC4R is on the minus strand). VCF-style: chr18-60371876-A-G. GRCh37 (hg19) VCF-style: chr18-58039109-A-G.
Identifiers: ClinVar variation 744058 (VCV000744058.4), dbSNP rs776431890, ClinGen allele CA8980914.